The following is an entry in ClinVar:

ClinVar aggregate classification (germline): Uncertain significance (1 of 4 stars; one submission).

Conditions:
Salla disease (SD). Also called: Less Severe FSASD (Salla Disease); Sialuria, Finnish type; N-acetylneuraminic acid (NANA) storage disease (NSD); Infantile sialic acid storage disorder (ISSD). Identifiers: Orphanet 309334, Orphanet 834, MedGen C1096903, MONDO:0011449, OMIM 604369.

gnomAD v4.1: 1 of 1,614,080 alleles (0.000062%); highest among the groups gnomAD compares: Non-Finnish European, 0.000085%; no homozygotes.

Submission:

Labcorp Genetics (formerly Invitae), Labcorp
Classification: Uncertain significance for Salla disease. Last evaluated: 2022-08-09. Review status: criteria provided, single submitter. Criteria: Invitae Variant Classification Sherloc (09022015). Collection method: clinical testing. Allele origin: germline.
Comment: This variant is not present in population databases (gnomAD no frequency). This sequence change creates a premature translational stop signal (p.Gln457*) in the SLC17A5 gene. While this is not anticipated to result in nonsense mediated decay, it is expected to disrupt the last 39 amino acid(s) of the SLC17A5 protein. This variant has not been reported in the literature in individuals affected with SLC17A5-related conditions. In summary, the available evidence is currently insufficient to determine the role of this variant in disease. Therefore, it has been classified as a Variant of Uncertain Significance.

NM_012434.5(SLC17A5):c.1369C>T (p.Gln457Ter)

Gene: SLC17A5 (solute carrier family 17 member 5; minus strand). Cytogenetic location: 6q13.
Variant type: single nucleotide variant.
Coding change: c.1369C>T on transcript NM_012434.5 (MANE Select); coding-DNA position 1369, C replaced by T.
Protein change: p.Gln457Ter; replaces glutamine 457 with a stop codon.
Molecular consequence: nonsense. On other transcripts: synonymous variant (2).
Genome position (GRCh38, 1-based): chr6:73,595,196, G>A on the plus strand (C>T on the coding strand, the complement: SLC17A5 is on the minus strand). VCF-style: chr6-73595196-G-A. GRCh37 (hg19) VCF-style: chr6-74304919-G-A.
Other names: c.1138C>T, p.Gln380Ter (NM_001382629.1); c.1278C>T, p.Gly426= (NM_001382630.1); c.1390C>T, p.Gln464Ter (NM_001382631.1); c.1282C>T, p.Gln428Ter (NM_001382632.1); c.1467C>T, p.Gly489= (NM_001382633.1); c.1210C>T, p.Gln404Ter (NM_001382634.1); c.1366C>T, p.Gln456Ter (NM_001382635.1); c.1051C>T, p.Gln351Ter (NM_001382636.1); short protein forms Q457*, Q351*, Q380*, Q404*, Q428*, Q456*, Q464*.
Identifiers: ClinVar variation 1931210 (VCV001931210.5), dbSNP rs754000835, ClinGen allele CA140968882.